The following is an entry in ClinVar:

NM_004370.6(COL12A1):c.8550G>A (p.Met2850Ile)

Gene: COL12A1 (collagen type XII alpha 1 chain; minus strand). Cytogenetic location: 6q13.
Variant type: single nucleotide variant.
Coding change: c.8550G>A on transcript NM_004370.6 (MANE Select); coding-DNA position 8550, G replaced by A.
Protein change: p.Met2850Ile; replaces methionine 2850 with isoleucine.
Molecular consequence: missense variant.
Genome position (GRCh38, 1-based): chr6:75,097,280, C>T on the plus strand (G>A on the coding strand, the complement: COL12A1 is on the minus strand). VCF-style: chr6-75097280-C-T. GRCh37 (hg19) VCF-style: chr6-75806996-C-T.
Other names: c.8550G>A, p.Met2850Ile (NM_001424113.1); c.8529G>A, p.Met2843Ile (NM_001424114.1); c.8277G>A, p.Met2759Ile (NM_001424115.1); c.5058G>A, p.Met1686Ile (NM_001424116.1, NM_080645.3); short protein forms M2850I, M2759I, M1686I, M2843I.
Identifiers: ClinVar variation 4786551 (VCV004786551.1).

ClinVar aggregate classification (germline): Uncertain significance (1 of 4 stars; one submission).

Conditions:
Ullrich congenital muscular dystrophy 2 (UCMD2). Identifiers: Orphanet 75840, MedGen C4225314, MONDO:0014654, OMIM 616470.
Bethlem myopathy 2 (BTHLM2). Identifiers: Orphanet 536516, Orphanet 610, MedGen C4225313, MONDO:0034022, OMIM 616471.

gnomAD v4.1: 1 of 1,613,876 alleles (0.000062%); highest among the groups gnomAD compares: Non-Finnish European, 0.000085%; no homozygotes.

Submission:

Labcorp Genetics (formerly Invitae), Labcorp
Classification: Uncertain significance for Bethlem myopathy 2; Ullrich congenital muscular dystrophy 2. Last evaluated: 2025-09-28. Review status: criteria provided, single submitter. Criteria: Invitae Variant Classification Sherloc (09022015). Collection method: clinical testing. Allele origin: germline.
Comment: This sequence change replaces methionine, which is neutral and non-polar, with isoleucine, which is neutral and non-polar, at codon 2850 of the COL12A1 protein (p.Met2850Ile). This variant is not present in population databases (gnomAD no frequency). This variant has not been reported in the literature in individuals affected with COL12A1-related conditions. An algorithm developed to predict the effect of missense changes on protein structure and function (PolyPhen-2) suggests that this variant is likely to be tolerated. In summary, the available evidence is currently insufficient to determine the role of this variant in disease. Therefore, it has been classified as a Variant of Uncertain Significance.